The following is an entry in ClinVar:

NM_005560.6(LAMA5):c.7113C>T (p.Arg2371=)

Gene: LAMA5 (laminin subunit alpha 5; minus strand). Cytogenetic location: 20q13.33.
Variant type: single nucleotide variant.
Coding change: c.7113C>T on transcript NM_005560.6 (MANE Select); coding-DNA position 7113, C replaced by T.
Protein change: p.Arg2371=; no amino-acid change (arginine 2371 retained).
Molecular consequence: synonymous variant.
Genome position (GRCh38, 1-based): chr20:62,318,580, G>A on the plus strand (C>T on the coding strand, the complement: LAMA5 is on the minus strand). VCF-style: chr20-62318580-G-A. GRCh37 (hg19) VCF-style: chr20-60893636-G-A.
Other names: c.7113C>T (NM_005560.4).
Identifiers: ClinVar variation 2882720 (VCV002882720.6), dbSNP rs111275179, ClinGen allele CA9941419.

ClinVar aggregate classification (germline): Likely benign. Review status: criteria provided, multiple submitters, no conflicts (2 of 4 stars). 3 submissions from 3 submitters: Likely benign (2). 1 of the submissions does not count toward it. Last evaluated 2025-11-27.

Conditions:
LAMA5-related disorder. Also called: LAMA5-related condition; LAMA5-Related Disorders.

Allele frequency attached by ClinVar (database versions not stated): gnomAD 0.00013.
gnomAD v4.1: 113 of 1,610,638 alleles (0.007%); highest among the groups gnomAD compares: Admixed American, 0.05%; no homozygotes.

Submissions (3):

Labcorp Genetics (formerly Invitae), Labcorp
Classification: Likely benign. Last evaluated: 2025-11-27. Review status: criteria provided, single submitter. Criteria: Invitae Variant Classification Sherloc (09022015). Collection method: clinical testing. Allele origin: germline.

Blueprint Genetics
Classification: Likely benign. Last evaluated: 2024-03-13. Review status: criteria provided, single submitter. Criteria: ACMG Guidelines, 2015. Collection method: clinical testing. Allele origin: germline.

PreventionGenetics, part of Exact Sciences
Classification: Likely benign for LAMA5-related condition. Last evaluated: 2019-04-09. Review status: no assertion criteria provided. Collection method: clinical testing. Allele origin: germline. Not counted in ClinVar's aggregate classification.
Comment: This variant is classified as likely benign based on ACMG/AMP sequence variant interpretation guidelines (Richards et al. 2015 PMID: 25741868, with internal and published modifications).